The following is an entry in ClinVar:

ClinVar aggregate classification (germline): Uncertain significance. Review status: criteria provided, multiple submitters, no conflicts (2 of 4 stars). 2 submissions from 2 submitters: Uncertain significance (2). Last evaluated 2025-12-28.

Allele frequency attached by ClinVar (database versions not stated): ExAC 0.00016; gnomAD 0.00021; TOPMed 0.00025; gnomAD exomes 0.00041; ESP Exome Variant Server 0.00046.
gnomAD v4.1: 613 of 1,614,022 alleles (0.038%); highest among the groups gnomAD compares: Non-Finnish European, 0.051%; no homozygotes.

Submissions (2):

Labcorp Genetics (formerly Invitae), Labcorp
Classification: Uncertain significance. Last evaluated: 2025-12-28. Review status: criteria provided, single submitter. Criteria: Invitae Variant Classification Sherloc (09022015). Collection method: clinical testing. Allele origin: germline.
Comment: This sequence change replaces methionine, which is neutral and non-polar, with threonine, which is neutral and polar, at codon 384 of the KL protein (p.Met384Thr). This variant is present in population databases (rs141741908, gnomAD 0.04%). This variant has not been reported in the literature in individuals affected with KL-related conditions. ClinVar contains an entry for this variant (Variation ID: 2069215). Invitae Evidence Modeling of protein sequence and biophysical properties (such as structural, functional, and spatial information, amino acid conservation, physicochemical variation, residue mobility, and thermodynamic stability) indicates that this missense variant is expected to disrupt KL protein function with a positive predictive value of 80%. In summary, the available evidence is currently insufficient to determine the role of this variant in disease. Therefore, it has been classified as a Variant of Uncertain Significance.

Ambry Genetics
Classification: Uncertain significance. Last evaluated: 2024-02-21. Review status: criteria provided, single submitter. Criteria: Ambry Variant Classification Scheme 2023. Collection method: clinical testing. Allele origin: germline.

NM_004795.4(KL):c.1151T>C (p.Met384Thr)

Gene: KL (klotho; plus strand). Cytogenetic location: 13q13.1.
Variant type: single nucleotide variant.
Coding change: c.1151T>C on transcript NM_004795.4 (MANE Select); coding-DNA position 1151, T replaced by C.
Protein change: p.Met384Thr; replaces methionine 384 with threonine.
Molecular consequence: missense variant.
Genome position (GRCh38, 1-based): chr13:33,054,098, T>C. VCF-style: chr13-33054098-T-C. GRCh37 (hg19) VCF-style: chr13-33628235-T-C.
Other names: short protein forms M384T.
Identifiers: ClinVar variation 2069215 (VCV002069215.5), dbSNP rs141741908, ClinGen allele CA6944041.